The following is an entry in ClinVar:

NM_004656.4(BAP1):c.132del (p.Val43_Tyr44insTer)

Gene: BAP1 (BRCA1 associated protein 1; minus strand). Cytogenetic location: 3p21.1.
Variant type: Deletion.
Coding change: c.132del on transcript NM_004656.4 (MANE Select); coding-DNA position 132, one base deleted (T; older notation c.132delT).
Protein change: p.Val43_Tyr44insTer.
Molecular consequence: nonsense.
Genome position (GRCh38, 1-based): chr3:52,408,597, A deleted on the plus strand (T on the coding strand, the reverse complement: BAP1 is on the minus strand). VCF-style (leftmost placement, unchanged base first): chr3-52408596-CA-C. GRCh37 (hg19) VCF-style: chr3-52442612-CA-C.
Identifiers: ClinVar variation 1216875 (VCV001216875.3), dbSNP rs2153228349, ClinGen allele CA2499216955.
Genomic context (GRCh38, chr3:52,408,596, plus strand): 5'-AGGTAGAGACCTTTCGCCGGGACCGGCGCTCTTCGATCCATTTGAACAGGAAGATAAATC[CA>C]TATACAGGGCTGGGGGAAGTAAGGGGCAGAGCCAGATCAGCCAAAGGGGAGAAGACAATC-3'

ClinVar aggregate classification (germline): Pathogenic (1 of 4 stars; one submission).

Submission:

GeneDx
Classification: Pathogenic. Last evaluated: 2019-08-22. Review status: criteria provided, single submitter. Criteria: GeneDx Variant Classification Process June 2021. Collection method: clinical testing. Allele origin: germline. Affected: yes.
Comment: Nonsense variant predicted to result in protein truncation or nonsense mediated decay in a gene for which loss-of-function is a known mechanism of disease; Not observed in large population cohorts (Lek et al., 2016); This variant is associated with the following publications: (PMID: 25889843)